The following is an entry in ClinVar:

ClinVar aggregate classification (germline): Likely benign. Review status: criteria provided, multiple submitters, no conflicts (2 of 4 stars). 2 submissions from 2 submitters: Likely benign (2). Last evaluated 2025-10-01.

Allele frequency attached by ClinVar (database versions not stated): gnomAD exomes below 0.00001 and 0.00001; ExAC 0.00001; gnomAD 0.00001 and 0.00003; TOPMed 0.00002; ESP Exome Variant Server 0.00008; 1000 Genomes Project 30x 0.00016; 1000 Genomes Project 0.00020.
gnomAD v4.1: 14 of 1,614,178 alleles (0.00087%); highest among the groups gnomAD compares: Middle Eastern, 0.017%; no homozygotes.

Submissions (2):

CeGaT Center for Human Genetics Tuebingen
Classification: Likely benign. Last evaluated: 2025-10-01. Review status: criteria provided, single submitter. Criteria: CeGaT Center For Human Genetics Tuebingen Variant Classification Criteria Version 2. Collection method: clinical testing. Allele origin: germline. Affected: yes. Observed: 1 variant allele.
Comment: RTTN: BP4, BP7

Labcorp Genetics (formerly Invitae), Labcorp
Classification: Likely benign. Last evaluated: 2024-09-05. Review status: criteria provided, single submitter. Criteria: Invitae Variant Classification Sherloc (09022015). Collection method: clinical testing. Allele origin: germline.

NM_173630.4(RTTN):c.5460T>C (p.Cys1820=)

Genes: RTTN (rotatin; minus strand), LOC126862785 (MED14-independent group 3 enhancer GRCh37_chr18:67714790-67715989; plus strand). Cytogenetic location: 18q22.2.
Variant type: single nucleotide variant.
Coding change: c.5460T>C on transcript NM_173630.4 (MANE Select); coding-DNA position 5460, T replaced by C.
Protein change: p.Cys1820=; no amino-acid change (cysteine 1820 retained).
Molecular consequence: synonymous variant.
Genome position (GRCh38, 1-based): chr18:70,048,052, A>G on the plus strand (T>C on the coding strand, the complement: RTTN is on the minus strand). VCF-style: chr18-70048052-A-G. GRCh37 (hg19) VCF-style: chr18-67715288-A-G.
Other names: c.2724T>C, p.Cys908= (NM_001318520.2).
Identifiers: ClinVar variation 1647094 (VCV001647094.14), dbSNP rs149113978, ClinGen allele CA8994936.